The following is an entry in ClinVar:

NM_020207.7(ERCC6L2):c.1757G>T (p.Gly586Val)

Gene: ERCC6L2 (ERCC excision repair 6 like 2; plus strand). Cytogenetic location: 9q22.32.
Variant type: single nucleotide variant.
Coding change: c.1757G>T on transcript NM_020207.7 (MANE Select); coding-DNA position 1757, G replaced by T.
Protein change: p.Gly586Val; replaces glycine 586 with valine.
Molecular consequence: missense variant. On other transcripts: non-coding transcript variant (1).
Genome position (GRCh38, 1-based): chr9:95,941,459, G>T. VCF-style: chr9-95941459-G-T. GRCh37 (hg19) VCF-style: chr9-98703741-G-T.
Other names: c.1757G>T, p.Gly586Val (NM_001010895.4, NM_001375291.1, NM_001375292.1 and 2 more transcripts); short protein forms G586V.
Identifiers: ClinVar variation 4019249 (VCV004019249.1).

ClinVar aggregate classification (germline): Uncertain significance (1 of 4 stars; one submission).

Conditions:
Inborn genetic diseases. Identifiers: MedGen C0950123, MeSH D030342.

Submission:

Ambry Genetics
Classification: Uncertain significance for Inborn genetic diseases. Last evaluated: 2025-03-18. Review status: criteria provided, single submitter. Criteria: Ambry Variant Classification Scheme 2023. Collection method: clinical testing. Allele origin: germline.
Comment: The p.G586V variant (also known as c.1757G>T), located in coding exon 12 of the ERCC6L2 gene, results from a G to T substitution at nucleotide position 1757. The glycine at codon 586 is replaced by valine, an amino acid with dissimilar properties. This amino acid position is conserved. In addition, this alteration is predicted to be deleterious by in silico analysis. Based on the available evidence, the clinical significance of this variant remains unclear.